The following is an entry in ClinVar:

NM_002485.5(NBN):c.2224G>T (p.Asp742Tyr)

Gene: NBN (nibrin; minus strand). Cytogenetic location: 8q21.3.
Variant type: single nucleotide variant.
Coding change: c.2224G>T on transcript NM_002485.5 (MANE Select); coding-DNA position 2224, G replaced by T.
Protein change: p.Asp742Tyr; replaces aspartic acid 742 with tyrosine.
Molecular consequence: missense variant.
Genome position (GRCh38, 1-based): chr8:89,937,036, C>A on the plus strand (G>T on the coding strand, the complement: NBN is on the minus strand). VCF-style: chr8-89937036-C-A. GRCh37 (hg19) VCF-style: chr8-90949264-C-A.
Other names: c.1978G>T, p.Asp660Tyr (NM_001024688.3); short protein forms D742Y, D660Y.
Identifiers: ClinVar variation 579083 (VCV000579083.17), dbSNP rs746479577, ClinGen allele CA181268727.

ClinVar aggregate classification (germline): Uncertain significance. Review status: criteria provided, multiple submitters, no conflicts (2 of 4 stars). 4 submissions from 4 submitters: Uncertain significance (4). Last evaluated 2024-10-19.

Conditions:
Hereditary cancer-predisposing syndrome. Also called: Hereditary neoplastic syndrome; Tumor predisposition; Hereditary Cancer Syndrome; Neoplastic Syndromes, Hereditary. Identifiers: Orphanet 140162, MedGen C0027672, MeSH D009386, MONDO:0015356.
Microcephaly, normal intelligence and immunodeficiency (NBS). Also called: BERLIN BREAKAGE SYNDROME; SEEMANOVA SYNDROME II; Ataxia telangiectasia variant V1; IMMUNODEFICIENCY, MICROCEPHALY, AND CHROMOSOMAL INSTABILITY; Immunodeficiency, microcephaly with normal intelligence; Nijmegen breakage syndrome. Identifiers: Orphanet 647, MedGen C0398791, MONDO:0009623, OMIM 251260.

Allele frequency attached by ClinVar (database versions not stated): TOPMed 0.00001.

Submissions (4):

Ambry Genetics
Classification: Uncertain significance for Hereditary cancer-predisposing syndrome. Last evaluated: 2024-10-19. Review status: criteria provided, single submitter. Criteria: Ambry Variant Classification Scheme 2023. Collection method: clinical testing. Allele origin: germline.
Comment: The p.D742Y variant (also known as c.2224G>T), located in coding exon 15 of the NBN gene, results from a G to T substitution at nucleotide position 2224. The aspartic acid at codon 742 is replaced by tyrosine, an amino acid with highly dissimilar properties. This amino acid position is highly conserved in available vertebrate species. In addition, the in silico prediction for this alteration is inconclusive. Since supporting evidence is limited at this time, the clinical significance of this alteration remains unclear.

Labcorp Genetics (formerly Invitae), Labcorp
Classification: Uncertain significance for Microcephaly, normal intelligence and immunodeficiency. Last evaluated: 2023-10-18. Review status: criteria provided, single submitter. Criteria: Invitae Variant Classification Sherloc (09022015). Collection method: clinical testing. Allele origin: germline.
Comment: This sequence change replaces aspartic acid, which is acidic and polar, with tyrosine, which is neutral and polar, at codon 742 of the NBN protein (p.Asp742Tyr). This variant is not present in population databases (gnomAD no frequency). This variant has not been reported in the literature in individuals affected with NBN-related conditions. ClinVar contains an entry for this variant (Variation ID: 579083). An algorithm developed to predict the effect of missense changes on protein structure and function (PolyPhen-2) suggests that this variant is likely to be disruptive. In summary, the available evidence is currently insufficient to determine the role of this variant in disease. Therefore, it has been classified as a Variant of Uncertain Significance.

Genome-Nilou Lab
Classification: Uncertain significance for Microcephaly, normal intelligence and immunodeficiency. Last evaluated: 2021-11-07. Review status: criteria provided, single submitter. Criteria: ACMG Guidelines, 2015. Collection method: clinical testing. Allele origin: germline. Affected: no.

Women's Health and Genetics/Laboratory Corporation of America, LabCorp
Classification: Uncertain significance. Last evaluated: 2020-01-06. Review status: criteria provided, single submitter. Criteria: LabCorp Variant Classification Summary - May 2015. Collection method: clinical testing. Allele origin: germline.
Comment: Variant summary: NBN c.2224G>T (p.Asp742Tyr) results in a non-conservative amino acid change located in the DNA repair Nbs1, C-terminal domain of the encoded protein sequence. Five of five in-silico tools predict a damaging effect of the variant on protein function. The variant was absent in 249952 control chromosomes. The available data on variant occurrences in the general population are insufficient to allow any conclusion about variant significance. To our knowledge, no occurrence of c.2224G>T in individuals affected with Nijmegen Breakage Syndrome and no experimental evidence demonstrating its impact on protein function have been reported. One clinical diagnostic laboratory has submitted clinical-significance assessments for this variant to ClinVar after 2014 without evidence for independent evaluation and classified the variant as uncertain significance. Based on the evidence outlined above, the variant was classified as uncertain significance.